The following is an entry in ClinVar:

NM_000051.4(ATM):c.1669dup (p.Met557fs)

Gene: ATM (ATM serine/threonine kinase; plus strand). Cytogenetic location: 11q22.3.
Variant type: Duplication.
Coding change: c.1669dup on transcript NM_000051.4 (MANE Select); coding-DNA position 1669, one base duplicated (A; older notation c.1669dupA).
Protein change: p.Met557fs; shifts the reading frame from methionine 557.
Molecular consequence: frameshift variant.
Genome position (GRCh38, 1-based): chr11:108,251,898, A duplicated; the last of 5 consecutive A bases (chr11:108,251,894-108,251,898); duplicating any one gives the same sequence. VCF-style (leftmost placement, unchanged base first): chr11-108251893-T-TA. GRCh37 (hg19) VCF-style: chr11-108122620-T-TA.
Other names: c.1669dup, p.Met557fs (NM_001351834.2); short protein forms M557fs.
Identifiers: ClinVar variation 4720956 (VCV004720956.1).

ClinVar aggregate classification (germline): Pathogenic (1 of 4 stars; one submission).

Conditions:
Ataxia-telangiectasia syndrome (AT). Also called: ATAXIA-TELANGIECTASIA, COMPLEMENTATION GROUP A; ATAXIA-TELANGIECTASIA, FRESNO VARIANT; Ataxia-telangiectasia; LOUIS-BAR SYNDROME; Cerebello-oculocutaneous telangiectasia; Immunodeficiency with ataxia telangiectasia. Identifiers: Orphanet 100, MedGen C0004135, MONDO:0008840, OMIM 208900.

Submission:

Labcorp Genetics (formerly Invitae), Labcorp
Classification: Pathogenic for Ataxia-telangiectasia syndrome. Last evaluated: 2025-06-08. Review status: criteria provided, single submitter. Criteria: Invitae Variant Classification Sherloc (09022015). Collection method: clinical testing. Allele origin: germline.
Comment: This sequence change creates a premature translational stop signal (p.Met557Asnfs*9) in the ATM gene. It is expected to result in an absent or disrupted protein product. Loss-of-function variants in ATM are known to be pathogenic (PMID: 23807571, 25614872). This variant is not present in population databases (gnomAD no frequency). This variant has not been reported in the literature in individuals affected with ATM-related conditions. Algorithms developed to predict the effect of sequence changes on RNA splicing suggest that this variant may disrupt the consensus splice site. For these reasons, this variant has been classified as Pathogenic.

Literature cited by the submitters: PubMed 23807571; PubMed 25614872.